The following is an entry in ClinVar:

NM_000202.8(IDS):c.446C>A (p.Ser149Tyr)

Genes: IDS (iduronate 2-sulfatase; minus strand), LOC106050102 (IDS recombination region; plus strand). Cytogenetic location: Xq28.
Variant type: single nucleotide variant.
Coding change: c.446C>A on transcript NM_000202.8 (MANE Select); coding-DNA position 446, C replaced by A.
Protein change: p.Ser149Tyr; replaces serine 149 with tyrosine.
Molecular consequence: missense variant. On other transcripts: non-coding transcript variant (1).
Genome position (GRCh38, 1-based): chrX:149,501,010, G>T on the plus strand (C>A on the coding strand, the complement: IDS is on the minus strand). VCF-style: chrX-149501010-G-T. GRCh37 (hg19) VCF-style: chrX-148582541-G-T.
Other names: c.176C>A, p.Ser59Tyr (NM_001166550.4); c.446C>A, p.Ser149Tyr (NM_006123.5); short protein forms S149Y, S59Y.
Identifiers: ClinVar variation 5003609 (VCV005003609.1).

ClinVar aggregate classification (germline): Uncertain significance (1 of 4 stars; one submission).

Conditions:
Mucopolysaccharidosis, MPS-II (MPS2). Also called: IDS deficiency; Sulfoiduronate sulfatase deficiency; SIDS deficiency; Mucopolysaccharidosis with skin involvement; Mucopolysaccharidosis type 2; Attenuated MPS (subtype; formerly known as mild MPS II). Identifiers: Orphanet 580, Orphanet 79388, MedGen C0026705, MONDO:0010674, OMIM 309900.

gnomAD v4.1: 1 of 1,169,431 alleles (0.000086%); highest among the groups gnomAD compares: Non-Finnish European, 0.00012%; no homozygotes.

Submission:

Myriad Genetics, Inc.
Classification: Uncertain significance for Mucopolysaccharidosis, MPS-II. Last evaluated: 2025-12-18. Review status: criteria provided, single submitter. Criteria: Myriad Autosomal Dominant, Autosomal Recessive and X-Linked Classification Criteria (2023). Collection method: clinical testing. Allele origin: unknown.
Comment: NM_000202.5(IDS):c.446C>A(S149Y) is a missense variant classified as a variant of uncertain significance in the context of mucopolysaccharidosis type II. S149Y has been observed in a case with relevant disease (PMID: 39303318). Relevant functional assessments of this variant are not available in the literature. S149Y has not been observed in referenced population frequency databases. In summary, there is insufficient evidence to classify NM_000202.5(IDS):c.446C>A(S149Y) as pathogenic or benign. Please note: this variant was assessed in the context of healthy population screening.

Literature cited by the submitters: PubMed 39303318.